The following is an entry in ClinVar:

NM_005482.3(PIGK):c.21C>T (p.Leu7=)

Gene: PIGK (phosphatidylinositol glycan anchor biosynthesis class K; minus strand). Cytogenetic location: 1p31.1.
Variant type: single nucleotide variant.
Coding change: c.21C>T on transcript NM_005482.3 (MANE Select); coding-DNA position 21, C replaced by T.
Protein change: p.Leu7=; no amino-acid change (leucine 7 retained).
Molecular consequence: synonymous variant.
Genome position (GRCh38, 1-based): chr1:77,219,382, G>A on the plus strand (C>T on the coding strand, the complement: PIGK is on the minus strand). VCF-style: chr1-77219382-G-A. GRCh37 (hg19) VCF-style: chr1-77685067-G-A.
Identifiers: ClinVar variation 2638888 (VCV002638888.24), dbSNP rs141881551, ClinGen allele CA916087.

ClinVar aggregate classification (germline): Likely benign (1 of 4 stars; one submission).

Allele frequency attached by ClinVar (database versions not stated): gnomAD exomes 0.00026; ExAC 0.00108; ESP Exome Variant Server 0.00261; gnomAD 0.00275; TOPMed 0.00311; 1000 Genomes Project 30x 0.00375; 1000 Genomes Project 0.00399.
gnomAD v4.1: 827 of 1,613,658 alleles (0.051%); highest among the groups gnomAD compares: African/African-American, 0.86%; 3 homozygotes.

Submission:

CeGaT Center for Human Genetics Tuebingen
Classification: Likely benign. Last evaluated: 2026-03-01. Review status: criteria provided, single submitter. Criteria: CeGaT Center For Human Genetics Tuebingen Variant Classification Criteria Version 2. Collection method: clinical testing. Allele origin: germline. Affected: yes. Observed: 2 variant alleles.
Comment: PIGK: BP4, BP7